The following is an entry in ClinVar:

NM_004006.3(DMD):c.2298A>G (p.Ile766Met)

Gene: DMD (dystrophin; minus strand). Cytogenetic location: Xp21.1.
Variant type: single nucleotide variant.
Coding change: c.2298A>G on transcript NM_004006.3 (MANE Select); coding-DNA position 2298, A replaced by G.
Protein change: p.Ile766Met; replaces isoleucine 766 with methionine.
Molecular consequence: missense variant.
Genome position (GRCh38, 1-based): chrX:32,501,837, T>C on the plus strand (A>G on the coding strand, the complement: DMD is on the minus strand). VCF-style: chrX-32501837-T-C. GRCh37 (hg19) VCF-style: chrX-32519954-T-C.
Other names: c.2274A>G, p.Ile758Met (NM_000109.4); c.2286A>G, p.Ile762Met (NM_004009.3); c.1929A>G, p.Ile643Met (NM_004010.3); short protein forms I766M, I643M, I758M, I762M.
Identifiers: ClinVar variation 1523707 (VCV001523707.6), dbSNP rs2044086464, ClinGen allele CA412673720.

ClinVar aggregate classification (germline): Uncertain significance (1 of 4 stars; one submission).

Conditions:
Duchenne muscular dystrophy (DMD). Also called: MUSCULAR DYSTROPHY, PSEUDOHYPERTROPHIC PROGRESSIVE, DUCHENNE TYPE; Duchenne Muscular Dystrophy (DMD). Identifiers: Orphanet 98896, MedGen C0013264, MONDO:0010679, OMIM 310200.

Allele frequency attached by ClinVar (database versions not stated): gnomAD exomes below 0.00001; TOPMed below 0.00001.
gnomAD v4.1: 1 of 1,198,862 alleles (0.000083%); highest among the groups gnomAD compares: Non-Finnish European, 0.00011%; no homozygotes.

Submission:

Labcorp Genetics (formerly Invitae), Labcorp
Classification: Uncertain significance for Duchenne muscular dystrophy. Last evaluated: 2022-06-27. Review status: criteria provided, single submitter. Criteria: Invitae Variant Classification Sherloc (09022015). Collection method: clinical testing. Allele origin: germline.
Comment: In summary, the available evidence is currently insufficient to determine the role of this variant in disease. Therefore, it has been classified as a Variant of Uncertain Significance. Algorithms developed to predict the effect of missense changes on protein structure and function are either unavailable or do not agree on the potential impact of this missense change (SIFT: "Tolerated"; PolyPhen-2: "Possibly Damaging"; Align-GVGD: "Class C0"). This variant has not been reported in the literature in individuals affected with DMD-related conditions. This variant is not present in population databases (gnomAD no frequency). This sequence change replaces isoleucine, which is neutral and non-polar, with methionine, which is neutral and non-polar, at codon 766 of the DMD protein (p.Ile766Met).